The following is an entry in ClinVar:

NM_006648.4(WNK2):c.3373C>A (p.Gln1125Lys)

Gene: WNK2 (WNK lysine deficient protein kinase 2; plus strand). Cytogenetic location: 9q22.31.
Variant type: single nucleotide variant.
Coding change: c.3373C>A on transcript NM_006648.4 (MANE Select); coding-DNA position 3373, C replaced by A.
Protein change: p.Gln1125Lys; replaces glutamine 1125 with lysine.
Molecular consequence: missense variant.
Genome position (GRCh38, 1-based): chr9:93,262,682, C>A. VCF-style: chr9-93262682-C-A. GRCh37 (hg19) VCF-style: chr9-96024964-C-A.
Other names: c.3373C>A, p.Gln1125Lys (NM_001282394.3); short protein forms Q1125K.
Identifiers: ClinVar variation 4605423 (VCV004605423.1).
Genomic context (GRCh38, chr9:93,262,682, plus strand): 5'-GCGGGAGTCCGCATGACCTGTTCTCTTTTCTCCGGGTGTTTATTTCAGGAGCAGGCCTCA[C>A]AGGACAAGCCGCCCGGCCTCCCGCAGAGCTGTGAGAGGTAGTGTGGCCCAGCCTCGACCT-3'
Protein context (NP_006639.3, residues 1115-1135): VEPVQEEQAS[Gln1125Lys]DKPPGLPQSC

ClinVar aggregate classification (germline): Uncertain significance (1 of 4 stars; one submission).

Submission:

Ambry Genetics
Classification: Uncertain significance. Last evaluated: 2025-12-10. Review status: criteria provided, single submitter. Criteria: Ambry Variant Classification Scheme 2023. Collection method: clinical testing. Allele origin: germline.
Comment: The p.Q1125K variant (also known as c.3373C>A), located in coding exon 13 of the WNK2 gene, results from a C to A substitution at nucleotide position 3373. The glutamine at codon 1125 is replaced by lysine, an amino acid with similar properties. This amino acid position is conserved. In addition, this alteration is predicted to be tolerated by in silico analysis. Based on the available evidence, the clinical significance of this variant remains unclear.